The following is an entry in ClinVar:

ClinVar aggregate classification (germline): Uncertain significance (1 of 4 stars; one submission).

Conditions:
Centromeric instability of chromosomes 1,9 and 16 and immunodeficiency (ICF1). Also called: Immunodeficiency-centromeric instability-facial anomalies; IMMUNE DEFICIENCY, VARIABLE, WITH CENTROMERIC INSTABILITY OF CHROMOSOMES 1, 9, AND 16; IMMUNODEFICIENCY SYNDROME, VARIABLE; CENTROMERIC INSTABILITY, IMMUNODEFICIENCY SYNDROME. Identifiers: Orphanet 2268, MedGen C0398788, MONDO:0000133.

Allele frequency attached by ClinVar (database versions not stated): gnomAD exomes below 0.00001 and 0.00001; ExAC 0.00001; TOPMed 0.00003.
gnomAD v4.1: 3 of 1,614,024 alleles (0.00019%); highest among the groups gnomAD compares: Admixed American, 0.0017%; no homozygotes.

Submission:

Labcorp Genetics (formerly Invitae), Labcorp
Classification: Uncertain significance for Centromeric instability of chromosomes 1,9 and 16 and immunodeficiency. Last evaluated: 2020-02-06. Review status: criteria provided, single submitter. Criteria: Invitae Variant Classification Sherloc (09022015). Collection method: clinical testing. Allele origin: germline.
Comment: In summary, the available evidence is currently insufficient to determine the role of this variant in disease. Therefore, it has been classified as a Variant of Uncertain Significance. Nucleotide substitutions within the consensus splice site are a relatively common cause of aberrant splicing (PMID: 17576681, 9536098). Algorithms developed to predict the effect of sequence changes on RNA splicing suggest that this variant may disrupt the consensus splice site, but this prediction has not been confirmed by published transcriptional studies. This variant has not been reported in the literature in individuals with DNMT3B-related conditions. This variant is present in population databases (rs780112683, ExAC 0.001%). This sequence change falls in intron 21 of the DNMT3B gene. It does not directly change the encoded amino acid sequence of the DNMT3B protein, but it affects a nucleotide within the consensus splice site of the intron.

Literature cited by the submitters: PubMed 17576681; PubMed 9536098.

NM_006892.4(DNMT3B):c.2301+3A>G

Gene: DNMT3B (DNA methyltransferase 3 beta; plus strand). Cytogenetic location: 20q11.21.
Variant type: single nucleotide variant.
Coding change: c.2301+3A>G on transcript NM_006892.4 (MANE Select); 3 bases into the intron after coding-DNA position 2301, A replaced by G.
Molecular consequence: intron variant.
Genome position (GRCh38, 1-based): chr20:32,805,410, A>G. VCF-style: chr20-32805410-A-G. GRCh37 (hg19) VCF-style: chr20-31393216-A-G.
Other names: c.2241+3A>G (NM_175848.2); c.2172-2352A>G (NM_175849.2); c.2046-2352A>G (NM_001207055.2); c.1944-2352A>G (NM_001207056.2); c.2277+3A>G (NM_175850.3).
Identifiers: ClinVar variation 1005900 (VCV001005900.7), dbSNP rs780112683, ClinGen allele CA9810882.
Genomic context (GRCh38, chr20:32,805,410, plus strand): 5'-ATCAAAGAATGATAAACTCGAGCTGCAGGACTGCTTGGAATACAATAGGATAGCCAAGGT[A>G]AGACGAGCTGTGGCCCTCTGGAAAAATGCACTTGGTGACCTCCAAGTGGGGACTTGGGAG-3'